The following is an entry in ClinVar:

NM_004928.3(CFAP410):c.364G>C (p.Asp122His)

Gene: CFAP410 (cilia and flagella associated protein 410; minus strand). Cytogenetic location: 21q22.3.
Variant type: single nucleotide variant.
Coding change: c.364G>C on transcript NM_004928.3 (MANE Select); coding-DNA position 364, G replaced by C.
Protein change: p.Asp122His; replaces aspartic acid 122 with histidine.
Molecular consequence: missense variant.
Genome position (GRCh38, 1-based): chr21:44,333,042, C>G on the plus strand (G>C on the coding strand, the complement: CFAP410 is on the minus strand). VCF-style: chr21-44333042-C-G. GRCh37 (hg19) VCF-style: chr21-45752925-C-G.
Other names: c.364G>C, p.Asp122His (NM_001271440.2, NM_001271441.2); c.241G>C, p.Asp81His (NM_001271442.1); short protein forms D122H, D81H.
Identifiers: ClinVar variation 964390 (VCV000964390.9), dbSNP rs1602079250, ClinGen allele CA410456173.

ClinVar aggregate classification (germline): Uncertain significance (1 of 4 stars; one submission).

Allele frequency attached by ClinVar (database versions not stated): gnomAD exomes below 0.00001.
gnomAD v4.1: 1 of 1,591,004 alleles (0.000063%); highest among the groups gnomAD compares: Admixed American, 0.0017%; no homozygotes.

Submission:

Labcorp Genetics (formerly Invitae), Labcorp
Classification: Uncertain significance. Last evaluated: 2022-07-26. Review status: criteria provided, single submitter. Criteria: Invitae Variant Classification Sherloc (09022015). Collection method: clinical testing. Allele origin: germline.
Comment: In summary, the available evidence is currently insufficient to determine the role of this variant in disease. Therefore, it has been classified as a Variant of Uncertain Significance. This variant disrupts the p.Asp122 amino acid residue in CFAP410. Other variant(s) that disrupt this residue have been observed in individuals with CFAP410-related conditions (PMID: 27596865), which suggests that this may be a clinically significant amino acid residue. Algorithms developed to predict the effect of missense changes on protein structure and function (SIFT, PolyPhen-2, Align-GVGD) all suggest that this variant is likely to be disruptive. ClinVar contains an entry for this variant (Variation ID: 964390). This missense change has been observed in individual(s) with retinitis pigmentosa (PMID: 27596865; Invitae). In at least one individual the data is consistent with being in trans (on the opposite chromosome) from a pathogenic variant. This variant is not present in population databases (gnomAD no frequency). This sequence change replaces aspartic acid, which is acidic and polar, with histidine, which is basic and polar, at codon 122 of the CFAP410 protein (p.Asp122His).

Literature cited by the submitters: PubMed 27596865.